The following is an entry in ClinVar:

ClinVar aggregate classification (germline): Likely benign. Review status: criteria provided, multiple submitters, no conflicts (2 of 4 stars). 4 submissions from 4 submitters: Likely benign (4). Last evaluated 2026-09-01.

Allele frequency attached by ClinVar (database versions not stated): TOPMed 0.00087.
gnomAD v4.1: 1,763 of 1,555,168 alleles (0.11%); highest among the groups gnomAD compares: Non-Finnish European, 0.14%; 2 homozygotes.

Submissions (4):

CeGaT Center for Human Genetics Tuebingen
Classification: Likely benign. Last evaluated: 2026-09-01. Review status: criteria provided, single submitter. Criteria: CeGaT Center For Human Genetics Tuebingen Variant Classification Criteria Version 2. Collection method: clinical testing. Allele origin: germline. Affected: yes. Observed: 1 variant allele.
Comment: CABP2: BP4, BP7

Labcorp Genetics (formerly Invitae), Labcorp
Classification: Likely benign. Last evaluated: 2025-12-08. Review status: criteria provided, single submitter. Criteria: Invitae Variant Classification Sherloc (09022015). Collection method: clinical testing. Allele origin: germline.

Blueprint Genetics
Classification: Likely benign. Last evaluated: 2024-09-17. Review status: criteria provided, single submitter. Criteria: ACMG Guidelines, 2015. Collection method: clinical testing. Allele origin: germline.

GeneDx
Classification: Likely benign. Last evaluated: 2021-03-04. Review status: criteria provided, single submitter. Criteria: GeneDx Variant Classification Process June 2021. Collection method: clinical testing. Allele origin: germline. Affected: yes.

NM_016366.3(CABP2):c.201C>T (p.Ala67=)

Gene: CABP2 (calcium binding protein 2; minus strand). Cytogenetic location: 11q13.2.
Variant type: single nucleotide variant.
Coding change: c.201C>T on transcript NM_016366.3 (MANE Select); coding-DNA position 201, C replaced by T.
Protein change: p.Ala67=; no amino-acid change (alanine 67 retained).
Molecular consequence: synonymous variant. On other transcripts: missense variant (1).
Genome position (GRCh38, 1-based): chr11:67,522,558, G>A on the plus strand (C>T on the coding strand, the complement: CABP2 is on the minus strand). VCF-style: chr11-67522558-G-A. GRCh37 (hg19) VCF-style: chr11-67290029-G-A.
Other names: c.215C>T, p.Pro72Leu (NM_001318496.2); short protein forms P72L.
Identifiers: ClinVar variation 680427 (VCV000680427.12), dbSNP rs138981491, ClinGen allele CA6142572.